The following is an entry in ClinVar:

ClinVar aggregate classification (germline): Uncertain significance. Review status: criteria provided, multiple submitters, no conflicts (2 of 4 stars). 3 submissions from 3 submitters: Uncertain significance (3). Last evaluated 2025-04-21.

Conditions:
Inborn genetic diseases. Identifiers: MedGen C0950123, MeSH D030342.
Joubert syndrome. Also called: Familial aplasia of the vermis; JOUBERT-BOLTSHAUSER SYNDROME. Identifiers: Orphanet 475, MedGen C5979921, MONDO:0018772.

Allele frequency attached by ClinVar (database versions not stated): gnomAD below 0.00001 and 0.00001; TOPMed 0.00001; gnomAD exomes 0.00002 and 0.00004; ExAC 0.00004.
gnomAD v4.1: 29 of 1,547,184 alleles (0.0019%); highest among the groups gnomAD compares: South Asian, 0.0048%; no homozygotes.

Submissions (3):

Labcorp Genetics (formerly Invitae), Labcorp
Classification: Uncertain significance for Joubert syndrome. Last evaluated: 2025-04-21. Review status: criteria provided, single submitter. Criteria: Invitae Variant Classification Sherloc (09022015). Collection method: clinical testing. Allele origin: germline.
Comment: This sequence change replaces arginine, which is basic and polar, with histidine, which is basic and polar, at codon 645 of the AHI1 protein (p.Arg645His). This variant is present in population databases (rs772513002, gnomAD 0.008%). This variant has not been reported in the literature in individuals affected with AHI1-related conditions. ClinVar contains an entry for this variant (Variation ID: 1041939). Invitae Evidence Modeling of protein sequence and biophysical properties (such as structural, functional, and spatial information, amino acid conservation, physicochemical variation, residue mobility, and thermodynamic stability) indicates that this missense variant is not expected to disrupt AHI1 protein function with a negative predictive value of 95%. In summary, the available evidence is currently insufficient to determine the role of this variant in disease. Therefore, it has been classified as a Variant of Uncertain Significance.

Ambry Genetics
Classification: Uncertain significance for Inborn genetic diseases. Last evaluated: 2024-11-08. Review status: criteria provided, single submitter. Criteria: Ambry Variant Classification Scheme 2023. Collection method: clinical testing. Allele origin: germline.

Blueprint Genetics
Classification: Uncertain significance. Last evaluated: 2024-08-11. Review status: criteria provided, single submitter. Criteria: ACMG Guidelines, 2015. Collection method: clinical testing. Allele origin: germline.

NM_001134831.2(AHI1):c.1934G>A (p.Arg645His)

Gene: AHI1 (Abelson helper integration site 1; minus strand). Cytogenetic location: 6q23.3.
Variant type: single nucleotide variant.
Coding change: c.1934G>A on transcript NM_001134831.2 (MANE Select); coding-DNA position 1934, G replaced by A.
Protein change: p.Arg645His; replaces arginine 645 with histidine.
Molecular consequence: missense variant.
Genome position (GRCh38, 1-based): chr6:135,438,477, C>T on the plus strand (G>A on the coding strand, the complement: AHI1 is on the minus strand). VCF-style: chr6-135438477-C-T. GRCh37 (hg19) VCF-style: chr6-135759615-C-T.
Other names: c.1934G>A (NM_017651.4); c.1934G>A, p.Arg645His (NM_001134830.2, NM_001134832.2, NM_001350503.2 and 2 more transcripts); short protein forms R645H.
Identifiers: ClinVar variation 1041939 (VCV001041939.7), dbSNP rs772513002, ClinGen allele CA4012472.
Genomic context (GRCh38, chr6:135,438,477, plus strand): 5'-TCTTTTGACCAGGAAAGATCATAAATGATATTGAGGTGGCCACACAATTCTCTCATGAAA[C>T]GTCCAGAAGGAATTTCATATACTAATGAAAATATTTAGAAATTAGGTTTCCAGACAGAAG-3'
Protein context (NP_001128303.1, residues 635-655): PIILYEIPSG[Arg645His]FMRELCGHLN